The following is an entry in ClinVar:

NM_001378615.1(CC2D2A):c.1093C>G (p.Pro365Ala)

Genes: CC2D2A (coiled-coil and C2 domain containing 2A; plus strand), FBXL5 (F-box and leucine rich repeat protein 5; minus strand). Cytogenetic location: 4p15.32.
Variant type: single nucleotide variant.
Coding change: c.1093C>G on transcript NM_001378615.1 (MANE Select); coding-DNA position 1093, C replaced by G.
Protein change: p.Pro365Ala; replaces proline 365 with alanine.
Molecular consequence: missense variant.
Genome position (GRCh38, 1-based): chr4:15,516,700, C>G. VCF-style: chr4-15516700-C-G. GRCh37 (hg19) VCF-style: chr4-15518323-C-G.
Other names: c.1093C>G, p.Pro365Ala (NM_001080522.2); c.946C>G, p.Pro316Ala (NM_001378617.1); short protein forms P316A, P365A.
Identifiers: ClinVar variation 1027157 (VCV001027157.6), dbSNP rs375385399, ClinGen allele CA2863564.

ClinVar aggregate classification (germline): Uncertain significance (1 of 4 stars; one submission).

Conditions:
Joubert syndrome. Also called: JOUBERT-BOLTSHAUSER SYNDROME; Familial aplasia of the vermis. Identifiers: Orphanet 475, MedGen C5979921, MONDO:0018772.
Meckel-Gruber syndrome. Also called: Dysencephalia splachnocystica; DYSENCEPHALIA SPLANCHNOCYSTICA; GRUBER SYNDROME. Identifiers: Orphanet 564, MedGen C0265215, MONDO:0018921.

Allele frequency attached by ClinVar (database versions not stated): gnomAD exomes below 0.00001; ExAC 0.00001; TOPMed 0.00001; gnomAD 0.00003; ESP Exome Variant Server 0.00008.
gnomAD v4.1: 6 of 1,613,304 alleles (0.00037%); highest among the groups gnomAD compares: African/African-American, 0.008%; no homozygotes.

Submission:

Labcorp Genetics (formerly Invitae), Labcorp
Classification: Uncertain significance for Joubert syndrome; Meckel-Gruber syndrome. Last evaluated: 2022-06-03. Review status: criteria provided, single submitter. Criteria: Invitae Variant Classification Sherloc (09022015). Collection method: clinical testing. Allele origin: germline.
Comment: This sequence change replaces proline, which is neutral and non-polar, with alanine, which is neutral and non-polar, at codon 365 of the CC2D2A protein (p.Pro365Ala). This variant is present in population databases (rs375385399, gnomAD 0.01%). This variant has not been reported in the literature in individuals affected with CC2D2A-related conditions. ClinVar contains an entry for this variant (Variation ID: 1027157). Advanced modeling of protein sequence and biophysical properties (such as structural, functional, and spatial information, amino acid conservation, physicochemical variation, residue mobility, and thermodynamic stability) performed at Invitae indicates that this missense variant is not expected to disrupt CC2D2A protein function. In summary, the available evidence is currently insufficient to determine the role of this variant in disease. Therefore, it has been classified as a Variant of Uncertain Significance.